The following is an entry in ClinVar:

NM_130384.3(ATRIP):c.358C>A (p.Gln120Lys)

Genes: ATRIP (ATR interacting protein; plus strand), ATRIP-TREX1 (ATRIP-TREX1 readthrough; plus strand). Cytogenetic location: 3p21.31.
Variant type: single nucleotide variant.
Coding change: c.358C>A on transcript NM_130384.3 (MANE Select); coding-DNA position 358, C replaced by A.
Protein change: p.Gln120Lys; replaces glutamine 120 with lysine.
Molecular consequence: missense variant. On other transcripts: non-coding transcript variant (1), 5 prime UTR variant (1).
Genome position (GRCh38, 1-based): chr3:48,450,147, C>A. VCF-style: chr3-48450147-C-A. GRCh37 (hg19) VCF-style: chr3-48491553-C-A.
Other names: c.-107C>A (NM_001271022.2); c.79C>A, p.Gln27Lys (NM_001271023.2); c.358C>A, p.Gln120Lys (NM_032166.4); short protein forms Q120K, Q27K.
Identifiers: ClinVar variation 3809522 (VCV003809522.1).

ClinVar aggregate classification (germline): Uncertain significance (1 of 4 stars; one submission).

Submission:

Ambry Genetics
Classification: Uncertain significance. Last evaluated: 2025-01-04. Review status: criteria provided, single submitter. Criteria: Ambry Variant Classification Scheme 2023. Collection method: clinical testing. Allele origin: germline.
Comment: The p.Q120K variant (also known as c.358C>A), located in coding exon 2 of the ATRIP gene, results from a C to A substitution at nucleotide position 358. The glutamine at codon 120 is replaced by lysine, an amino acid with similar properties. This amino acid position is conserved. In addition, the in silico prediction for this alteration is inconclusive. Based on the available evidence, the clinical significance of this variant remains unclear.